The following is an entry in ClinVar:

ClinVar aggregate classification (germline): Likely benign. Review status: criteria provided, multiple submitters, no conflicts (2 of 4 stars). 3 submissions from 3 submitters: Likely benign (3). Last evaluated 2024-12-23.

Conditions:
Fanconi anemia complementation group J. Also called: BRIP1-Related Fanconi Anemia. Identifiers: Orphanet 84, MedGen C1836860, MONDO:0012187, OMIM 609054.
Familial cancer of breast. Also called: BREAST CANCER, FAMILIAL; hereditary breast carcinoma; Hereditary breast cancer. Identifiers: Orphanet 227535, MedGen C0346153, MONDO:0016419, OMIM 114480. Disease mechanism: loss of function.
Hereditary cancer-predisposing syndrome. Also called: Tumor predisposition; Hereditary neoplastic syndrome; Neoplastic Syndromes, Hereditary; Hereditary Cancer Syndrome. Identifiers: Orphanet 140162, MedGen C0027672, MeSH D009386, MONDO:0015356.

Allele frequency attached by ClinVar (database versions not stated): gnomAD exomes below 0.00001 and 0.00001.
gnomAD v4.1: 1 of 1,606,106 alleles (0.000062%); highest among the groups gnomAD compares: East Asian, 0.0022%; no homozygotes.

Submissions (3):

Labcorp Genetics (formerly Invitae), Labcorp
Classification: Likely benign for Familial cancer of breast; Fanconi anemia complementation group J. Last evaluated: 2024-12-23. Review status: criteria provided, single submitter. Criteria: Invitae Variant Classification Sherloc (09022015). Collection method: clinical testing. Allele origin: germline.

Myriad Genetics, Inc.
Classification: Likely benign for Familial cancer of breast. Last evaluated: 2024-08-21. Review status: criteria provided, single submitter. Criteria: Myriad Autosomal Dominant, Autosomal Recessive and X-Linked Classification Criteria (2023). Collection method: clinical testing. Allele origin: unknown.
Comment: This variant is considered likely benign. This variant is intronic and is not expected to impact mRNA splicing.

Color Diagnostics, LLC DBA Color Health
Classification: Likely benign for Hereditary cancer-predisposing syndrome. Last evaluated: 2017-01-09. Review status: criteria provided, single submitter. Criteria: ACMG Guidelines, 2015. Collection method: clinical testing. Allele origin: germline.

NM_032043.3(BRIP1):c.380-11A>G

Gene: BRIP1 (BRCA1 interacting DNA helicase 1; minus strand). Cytogenetic location: 17q23.2.
Variant type: single nucleotide variant.
Coding change: c.380-11A>G on transcript NM_032043.3 (MANE Select); 11 bases into the intron before coding-DNA position 380, A replaced by G.
Molecular consequence: intron variant.
Genome position (GRCh38, 1-based): chr17:61,849,267, T>C on the plus strand (A>G on the coding strand, the complement: BRIP1 is on the minus strand). VCF-style: chr17-61849267-T-C. GRCh37 (hg19) VCF-style: chr17-59926628-T-C.
Identifiers: ClinVar variation 927390 (VCV000927390.8), dbSNP rs1407822955, ClinGen allele CA626817924.